The following is an entry in ClinVar:

NM_001354604.2(MITF):c.762+4T>C

Gene: MITF (melanocyte inducing transcription factor; plus strand). Cytogenetic location: 3p13.
Variant type: single nucleotide variant.
Coding change: c.762+4T>C on transcript NM_001354604.2 (MANE Select); 4 bases into the intron after coding-DNA position 762, T replaced by C.
Molecular consequence: intron variant.
Genome position (GRCh38, 1-based): chr3:69,941,335, T>C. VCF-style: chr3-69941335-T-C. GRCh37 (hg19) VCF-style: chr3-69990486-T-C.
Other names: c.711+4T>C (NM_001354607.2); c.606+4T>C (NM_001354608.2, NM_001184967.2); c.762+4T>C (NM_198159.3); c.759+4T>C (NM_001354605.2, NM_001354606.2, NM_006722.3); c.714+4T>C (NM_198177.3); c.441+4T>C (NM_000248.4, NM_198158.3); c.273+4T>C (NM_198178.3).
Identifiers: ClinVar variation 2938727 (VCV002938727.3), dbSNP rs2471598602, ClinGen allele CA2740094492.
Genomic context (GRCh38, chr3:69,941,335, plus strand): 5'-AGTTATAATGAGGAAATCTTGGGCTTGATGGATCCTGCTTTGCAAATGGCAAATACGGTA[T>C]TGATAACCTTTTTTTAAGTAGAAAATCTTGAGGTGTTTCCAGGGTTCTTTTCTTTTTTCT-3'

ClinVar aggregate classification (germline): Uncertain significance (1 of 4 stars; one submission).

Conditions:
Tietz syndrome (TADS). Also called: ALBINISM-DEAFNESS OF TIETZ; HYPOPIGMENTATION/DEAFNESS OF TIETZ; TIETZ ALBINISM-DEAFNESS SYNDROME. Identifiers: Orphanet 42665, MedGen C0391816, MONDO:0007077, OMIM 103500.
Waardenburg syndrome type 2A (WS2A). Also called: WAARDENBURG SYNDROME WITHOUT DYSTOPIA CANTHORUM. Identifiers: Orphanet 3440, MedGen C1860339, MONDO:0008671, OMIM 193510.
Melanoma, cutaneous malignant, susceptibility to, 8. Also called: MELANOMA AND RENAL CELL CARCINOMA, SUSCEPTIBILITY TO; Cutaneous malignant melanoma 8. Identifiers: Orphanet 293822, MedGen C3152204, MONDO:0013759, OMIM 614456.

Submission:

Labcorp Genetics (formerly Invitae), Labcorp
Classification: Uncertain significance for Melanoma, cutaneous malignant, susceptibility to, 8; Waardenburg syndrome type 2A; Tietz syndrome. Last evaluated: 2023-12-01. Review status: criteria provided, single submitter. Criteria: Invitae Variant Classification Sherloc (09022015). Collection method: clinical testing. Allele origin: germline.
Comment: This sequence change falls in intron 4 of the MITF gene. It does not directly change the encoded amino acid sequence of the MITF protein. It affects a nucleotide within the consensus splice site. This variant is not present in population databases (gnomAD no frequency). This variant has not been reported in the literature in individuals affected with MITF-related conditions. Variants that disrupt the consensus splice site are a relatively common cause of aberrant splicing (PMID: 17576681, 9536098). Algorithms developed to predict the effect of sequence changes on RNA splicing suggest that this variant is not likely to affect RNA splicing. In summary, the available evidence is currently insufficient to determine the role of this variant in disease. Therefore, it has been classified as a Variant of Uncertain Significance.

Literature cited by the submitters: PubMed 17576681; PubMed 9536098.